The following is an entry in ClinVar:

ClinVar aggregate classification (germline): Uncertain significance (1 of 4 stars; one submission).

Conditions:
Carnitine palmitoyltransferase II deficiency. Also called: Carnitine Palmitoyltransferase 2 Deficiency. Identifiers: Orphanet 157, MedGen C0342790, MONDO:0015515.

Submission:

Labcorp Genetics (formerly Invitae), Labcorp
Classification: Uncertain significance for Carnitine palmitoyltransferase II deficiency. Last evaluated: 2022-02-09. Review status: criteria provided, single submitter. Criteria: Invitae Variant Classification Sherloc (09022015). Collection method: clinical testing. Allele origin: germline.
Comment: This variant has not been reported in the literature in individuals affected with CPT2-related conditions. This variant is not present in population databases (gnomAD no frequency). This sequence change replaces serine, which is neutral and polar, with asparagine, which is neutral and polar, at codon 48 of the CPT2 protein (p.Ser48Asn). ClinVar contains an entry for this variant (Variation ID: 1043933). In summary, the available evidence is currently insufficient to determine the role of this variant in disease. Therefore, it has been classified as a Variant of Uncertain Significance. Advanced modeling of protein sequence and biophysical properties (such as structural, functional, and spatial information, amino acid conservation, physicochemical variation, residue mobility, and thermodynamic stability) performed at Invitae indicates that this missense variant is not expected to disrupt CPT2 protein function.

NM_000098.3(CPT2):c.143G>A (p.Ser48Asn)

Genes: CPT2 (carnitine palmitoyltransferase 2; plus strand), LOC129930561 (ATAC-STARR-seq lymphoblastoid silent region 902; plus strand). Cytogenetic location: 1p32.3.
Variant type: single nucleotide variant.
Coding change: c.143G>A on transcript NM_000098.3 (MANE Select); coding-DNA position 143, G replaced by A.
Protein change: p.Ser48Asn; replaces serine 48 with asparagine.
Molecular consequence: missense variant.
Genome position (GRCh38, 1-based): chr1:53,197,086, G>A. VCF-style: chr1-53197086-G-A. GRCh37 (hg19) VCF-style: chr1-53662758-G-A.
Other names: c.143G>A, p.Ser48Asn (NM_001330589.2); short protein forms S48N.
Identifiers: ClinVar variation 1043933 (VCV001043933.9), dbSNP rs1250983045, ClinGen allele CA340388840.